The following is an entry in ClinVar:

ClinVar aggregate classification (germline): Pathogenic (1 of 4 stars; one submission).

Conditions:
Hereditary spastic paraplegia 4. Also called: Spastic paraplegia 4, autosomal dominant; Spastic Paraplegia 4; Familial spastic paraplegia autosomal dominant 2. Identifiers: Orphanet 100985, MedGen C1866855, MONDO:0008438, OMIM 182601.

Submission:

Labcorp Genetics (formerly Invitae), Labcorp
Classification: Pathogenic for Hereditary spastic paraplegia 4. Last evaluated: 2021-08-12. Review status: criteria provided, single submitter. Criteria: Invitae Variant Classification Sherloc (09022015). Collection method: clinical testing. Allele origin: germline.
Comment: This variant is a gross deletion of the genomic region encompassing exon(s) 13-16 of the SPAST gene, which includes the termination codon. This deletion extends beyond the assayed region for this gene and therefore may encompass additional genes. While this deletion is not anticipated to lead to nonsense mediated decay, it is expected to alter mRNA translation or result in a truncated protein product. A similar copy number variant has been observed in individual(s) with hereditary spastic paraplegia (PMID: 12124993, 17035675). It has also been observed to segregate with disease in related individuals. For these reasons, this variant has been classified as Pathogenic.

Literature cited by the submitters: PubMed 12124993; PubMed 17035675.

NC_000002.11:g.(?_32366967)_(32372333_?)del

Gene: SPAST (spastin; plus strand). Cytogenetic location: 2p22.3.
Variant type: Deletion.
Identifiers: ClinVar variation 1072249 (VCV001072249.2).